The following is an entry in ClinVar:

ClinVar aggregate classification (germline): Pathogenic (1 of 4 stars; one submission).

Conditions:
Glycogen storage disease IXb (GSD9B). Also called: GLYCOGENOSIS OF LIVER AND MUSCLE, AUTOSOMAL RECESSIVE; GSD IXb; PHOSPHORYLASE KINASE DEFICIENCY OF LIVER AND MUSCLE, AUTOSOMAL RECESSIVE. Identifiers: Orphanet 79240, MedGen C0543514, MONDO:0009868, OMIM 261750.

Submission:

Labcorp Genetics (formerly Invitae), Labcorp
Classification: Pathogenic for Glycogen storage disease IXb. Last evaluated: 2022-07-26. Review status: criteria provided, single submitter. Criteria: Invitae Variant Classification Sherloc (09022015). Collection method: clinical testing. Allele origin: germline.
Comment: This sequence change creates a premature translational stop signal (p.Gln603Hisfs*5) in the PHKB gene. It is expected to result in an absent or disrupted protein product. Loss-of-function variants in PHKB are known to be pathogenic (PMID: 9215682, 9326319). This variant is not present in population databases (gnomAD no frequency). This variant has not been reported in the literature in individuals affected with PHKB-related conditions. For these reasons, this variant has been classified as Pathogenic.

Literature cited by the submitters: PubMed 9215682; PubMed 9326319.

NM_000293.3(PHKB):c.1805_1808dup (p.Gln603fs)

Gene: PHKB (phosphorylase kinase regulatory subunit beta; plus strand). Cytogenetic location: 16q12.1.
Variant type: Duplication.
Coding change: c.1805_1808dup on transcript NM_000293.3 (MANE Select); coding-DNA positions 1805 to 1808, 4 bases duplicated (TGCA; older notation c.1805_1808dupTGCA).
Protein change: p.Gln603fs; shifts the reading frame from glutamine 603.
Molecular consequence: frameshift variant.
Genome position (GRCh38, 1-based): chr16:47,650,551-47,650,554, TGCA duplicated. VCF-style (leftmost placement, unchanged base first): chr16-47650550-C-CTGCA. GRCh37 (hg19) VCF-style: chr16-47684461-C-CTGCA.
Other names: c.1784_1787dup, p.Gln596fs (NM_001031835.3); c.1805_1808dup, p.Gln603fs (NM_001363837.1); short protein forms Q596fs, Q603fs.
Identifiers: ClinVar variation 2078619 (VCV002078619.4), dbSNP rs2506573467, ClinGen allele CA2580091566.
Genomic context (GRCh38, chr16:47,650,550, plus strand): 5'-TCCTGTTCATCTTAGATACTGTGCCATTACATCCTACCTCATTCTGTTTGACAGAATGCG[C>CTGCA]TGCAGTTCATTAAACAATATTGGAAAATGCATGGACGTCCACTTTTCCTTGTTCTCATCC-3'